The following is an entry in ClinVar:

ClinVar aggregate classification (germline): Uncertain significance (1 of 4 stars; one submission).

Submission:

GeneDx
Classification: Uncertain significance. Last evaluated: 2024-03-18. Review status: criteria provided, single submitter. Criteria: GeneDx Variant Classification Process June 2021. Collection method: clinical testing. Allele origin: germline. Affected: yes.
Comment: Not observed at significant frequency in large population cohorts (gnomAD); In silico analysis supports that this missense variant does not alter protein structure/function; Has not been previously published as pathogenic or benign to our knowledge

NM_001378418.1(TCF20):c.2669C>A (p.Ala890Asp)

Gene: TCF20 (transcription factor 20; minus strand). Cytogenetic location: 22q13.2.
Variant type: single nucleotide variant.
Coding change: c.2669C>A on transcript NM_001378418.1 (MANE Select); coding-DNA position 2669, C replaced by A.
Protein change: p.Ala890Asp; replaces alanine 890 with aspartic acid.
Molecular consequence: missense variant.
Genome position (GRCh38, 1-based): chr22:42,212,637, G>T on the plus strand (C>A on the coding strand, the complement: TCF20 is on the minus strand). VCF-style: chr22-42212637-G-T. GRCh37 (hg19) VCF-style: chr22-42608643-G-T.
Other names: c.2669C>A, p.Ala890Asp (NM_005650.4, NM_181492.3); short protein forms A890D.
Identifiers: ClinVar variation 3371171 (VCV003371171.1).